The following is an entry in ClinVar:

ClinVar aggregate classification (germline): Uncertain significance (1 of 4 stars; one submission).

Submission:

Labcorp Genetics (formerly Invitae), Labcorp
Classification: Uncertain significance. Last evaluated: 2022-02-04. Review status: criteria provided, single submitter. Criteria: Invitae Variant Classification Sherloc (09022015). Collection method: clinical testing. Allele origin: germline.
Comment: This variant is a gross deletion of the genomic region encompassing exon(s) 5 of the ARL3 gene. This variant would be expected to be in-frame, preserving the integrity of the reading frame. This variant has not been reported in the literature in individuals affected with ARL3-related conditions. In summary, the available evidence is currently insufficient to determine the role of this variant in disease. Therefore, it has been classified as a Variant of Uncertain Significance.

NC_000010.10:g.(?_104445573)_(104445758_?)del

Gene: ARL3 (ARF like GTPase 3; minus strand). Cytogenetic location: 10q24.32.
Variant type: Deletion.
Identifiers: ClinVar variation 1014949 (VCV001014949.2).